The following is an entry in ClinVar:

ClinVar aggregate classification (germline): Uncertain significance (1 of 4 stars; one submission).

Conditions:
Peroxisome biogenesis disorder. Identifiers: Orphanet 79189, MedGen C1832200, MONDO:0019234. Disease mechanism: loss of function.

Allele frequency attached by ClinVar (database versions not stated): gnomAD exomes below 0.00001; gnomAD 0.00001.

Submission:

Labcorp Genetics (formerly Invitae), Labcorp
Classification: Uncertain significance for Peroxisome biogenesis disorder. Last evaluated: 2021-12-13. Review status: criteria provided, single submitter. Criteria: Invitae Variant Classification Sherloc (09022015). Collection method: clinical testing. Allele origin: germline.
Comment: In summary, the available evidence is currently insufficient to determine the role of this variant in disease. Therefore, it has been classified as a Variant of Uncertain Significance. Algorithms developed to predict the effect of missense changes on protein structure and function (SIFT, PolyPhen-2, Align-GVGD) all suggest that this variant is likely to be tolerated. This variant has not been reported in the literature in individuals affected with PEX16-related conditions. This variant is not present in population databases (gnomAD no frequency). This sequence change replaces leucine, which is neutral and non-polar, with phenylalanine, which is neutral and non-polar, at codon 9 of the PEX16 protein (p.Leu9Phe).

NM_004813.4(PEX16):c.25C>T (p.Leu9Phe)

Gene: PEX16 (peroxisomal biogenesis factor 16; minus strand). Cytogenetic location: 11p11.2.
Variant type: single nucleotide variant.
Coding change: c.25C>T on transcript NM_004813.4 (MANE Select); coding-DNA position 25, C replaced by T.
Protein change: p.Leu9Phe; replaces leucine 9 with phenylalanine.
Molecular consequence: missense variant.
Genome position (GRCh38, 1-based): chr11:45,917,787, G>A on the plus strand (C>T on the coding strand, the complement: PEX16 is on the minus strand). VCF-style: chr11-45917787-G-A. GRCh37 (hg19) VCF-style: chr11-45939338-G-A.
Other names: c.25C>T, p.Leu9Phe (NM_057174.3); short protein forms L9F.
Identifiers: ClinVar variation 1489852 (VCV001489852.6), dbSNP rs1369455274, ClinGen allele CA380231199.